The following is an entry in ClinVar:

NM_001267550.2(TTN):c.20182A>G (p.Asn6728Asp)

Genes: TTN (titin; minus strand), LOC126806429 (BRD4-independent group 4 enhancer GRCh37_chr2:179591393-179592592; plus strand). Cytogenetic location: 2q31.2.
Variant type: single nucleotide variant.
Coding change: c.20182A>G on transcript NM_001267550.2 (MANE Select); coding-DNA position 20182, A replaced by G.
Protein change: p.Asn6728Asp; replaces asparagine 6728 with aspartic acid.
Molecular consequence: missense variant. On other transcripts: intron variant (3).
Genome position (GRCh38, 1-based): chr2:178,727,183, T>C on the plus strand (A>G on the coding strand, the complement: TTN is on the minus strand). VCF-style: chr2-178727183-T-C. GRCh37 (hg19) VCF-style: chr2-179591910-T-C.
Other names: c.19231A>G, p.Asn6411Asp (NM_001256850.1); c.16450A>G, p.Asn5484Asp (NM_133378.4); c.13282+10899A>G (NM_003319.4); c.13858+10899A>G (NM_133437.4); c.13657+10899A>G (NM_133432.3); short protein forms N5484D, N6411D, N6728D.
Identifiers: ClinVar variation 2581752 (VCV002581752.2), dbSNP rs969621252, ClinGen allele CA60976456.

ClinVar aggregate classification (germline): Uncertain significance (1 of 4 stars; one submission).

Allele frequency attached by ClinVar (database versions not stated): gnomAD 0.00001.
gnomAD v4.1: 18 of 1,613,172 alleles (0.0011%); highest among the groups gnomAD compares: South Asian, 0.0011%; no homozygotes.

Submission:

GeneDx
Classification: Uncertain significance. Last evaluated: 2026-01-16. Review status: criteria provided, single submitter. Criteria: GeneDx Variant Classification Process June 2021. Collection method: clinical testing. Allele origin: germline. Affected: yes.
Comment: Not observed at significant frequency in large population cohorts (gnomAD); Missense variant in a gene in which most reported pathogenic variants are truncating/loss of function; Has not been previously published as pathogenic or benign to our knowledge